The following is an entry in ClinVar:

NM_021076.4(NEFH):c.1038C>G (p.Arg346=)

Gene: NEFH (neurofilament heavy chain; plus strand). Cytogenetic location: 22q12.2.
Variant type: single nucleotide variant.
Coding change: c.1038C>G on transcript NM_021076.4 (MANE Select); coding-DNA position 1038, C replaced by G.
Protein change: p.Arg346=; no amino-acid change (arginine 346 retained).
Molecular consequence: synonymous variant.
Genome position (GRCh38, 1-based): chr22:29,483,529, C>G. VCF-style: chr22-29483529-C-G. GRCh37 (hg19) VCF-style: chr22-29879518-C-G.
Other names: c.1038C>G (NM_021076.3).
Identifiers: ClinVar variation 1917468 (VCV001917468.7), dbSNP rs377262654, ClinGen allele CA10174093.

ClinVar aggregate classification (germline): Likely benign. Review status: criteria provided, multiple submitters, no conflicts (2 of 4 stars). 3 submissions from 3 submitters: Likely benign (2). 1 of the submissions does not count toward it. Last evaluated 2026-01-14.

Conditions:
NEFH-related disorder. Also called: NEFH-related condition.

Allele frequency attached by ClinVar (database versions not stated): TOPMed 0.00002; gnomAD 0.00003; gnomAD exomes 0.00003; ExAC 0.00005; ESP Exome Variant Server 0.00008; 1000 Genomes Project 30x 0.00031.
gnomAD v4.1: 54 of 1,613,920 alleles (0.0033%); highest among the groups gnomAD compares: South Asian, 0.0099%; no homozygotes.

Submissions (3):

Labcorp Genetics (formerly Invitae), Labcorp
Classification: Likely benign. Last evaluated: 2026-01-14. Review status: criteria provided, single submitter. Criteria: Invitae Variant Classification Sherloc (09022015). Collection method: clinical testing. Allele origin: germline.

Blueprint Genetics
Classification: Likely benign. Last evaluated: 2024-04-29. Review status: criteria provided, single submitter. Criteria: ACMG Guidelines, 2015. Collection method: clinical testing. Allele origin: germline.

PreventionGenetics, part of Exact Sciences
Classification: Likely benign for NEFH-related condition. Last evaluated: 2022-06-21. Review status: no assertion criteria provided. Collection method: clinical testing. Allele origin: germline. Not counted in ClinVar's aggregate classification.
Comment: This variant is classified as likely benign based on ACMG/AMP sequence variant interpretation guidelines (Richards et al. 2015 PMID: 25741868, with internal and published modifications).